The following is an entry in ClinVar:

NM_006059.4(LAMC3):c.223C>T (p.Gln75Ter)

Gene: LAMC3 (laminin subunit gamma 3; plus strand). Cytogenetic location: 9q34.12.
Variant type: single nucleotide variant.
Coding change: c.223C>T on transcript NM_006059.4 (MANE Select); coding-DNA position 223, C replaced by T.
Protein change: p.Gln75Ter; replaces glutamine 75 with a stop codon.
Molecular consequence: nonsense.
Genome position (GRCh38, 1-based): chr9:131,009,437, C>T. VCF-style: chr9-131009437-C-T. GRCh37 (hg19) VCF-style: chr9-133884824-C-T.
Other names: short protein forms Q75*.
Identifiers: ClinVar variation 1359127 (VCV001359127.6), dbSNP rs2133193530, ClinGen allele CA375250637.

ClinVar aggregate classification (germline): Pathogenic (1 of 4 stars; one submission).

Allele frequency attached by ClinVar (database versions not stated): gnomAD exomes below 0.00001.
gnomAD v4.1: 1 of 1,544,950 alleles (0.000065%); highest among the groups gnomAD compares: Non-Finnish European, 0.000087%; no homozygotes.

Submission:

Labcorp Genetics (formerly Invitae), Labcorp
Classification: Pathogenic. Last evaluated: 2021-04-12. Review status: criteria provided, single submitter. Criteria: Invitae Variant Classification Sherloc (09022015). Collection method: clinical testing. Allele origin: germline.
Comment: For these reasons, this variant has been classified as Pathogenic. This variant has not been reported in the literature in individuals with LAMC3-related conditions. The frequency data for this variant in the population databases is considered unreliable, as metrics indicate insufficient coverage at this position in the ExAC database. This sequence change creates a premature translational stop signal (p.Gln75*) in the LAMC3 gene. It is expected to result in an absent or disrupted protein product. Loss-of-function variants in LAMC3 are known to be pathogenic (PMID: 21572413, 26802095).

Literature cited by the submitters: PubMed 21572413; PubMed 26802095.